The following is an entry in ClinVar:

ClinVar aggregate classification (germline): Uncertain significance. Review status: criteria provided, multiple submitters, no conflicts (2 of 4 stars). 2 submissions from 2 submitters: Uncertain significance (2). Last evaluated 2025-08-14.

Conditions:
Inborn genetic diseases. Identifiers: MedGen C0950123, MeSH D030342.

Allele frequency attached by ClinVar (database versions not stated): gnomAD 0.00002; TOPMed 0.00005; gnomAD exomes 0.00006; ESP Exome Variant Server 0.00008; ExAC 0.00009.
gnomAD v4.1: 48 of 1,599,104 alleles (0.003%); highest among the groups gnomAD compares: Middle Eastern, 0.033%; no homozygotes.

Submissions (2):

Ambry Genetics
Classification: Uncertain significance for Inborn genetic diseases. Last evaluated: 2025-08-14. Review status: criteria provided, single submitter. Criteria: Ambry Variant Classification Scheme 2023. Collection method: clinical testing. Allele origin: germline.

GeneDx
Classification: Uncertain significance. Last evaluated: 2023-05-22. Review status: criteria provided, single submitter. Criteria: GeneDx Variant Classification Process June 2021. Collection method: clinical testing. Allele origin: germline. Affected: yes.
Comment: Has not been previously published as pathogenic or benign to our knowledge; Not observed at significant frequency in large population cohorts (gnomAD); In silico analysis supports that this missense variant does not alter protein structure/function

NM_001042545.2(LTBP4):c.2688C>A (p.Asp896Glu)

Gene: LTBP4 (latent transforming growth factor beta binding protein 4; plus strand). Cytogenetic location: 19q13.2.
Variant type: single nucleotide variant.
Coding change: c.2688C>A on transcript NM_001042545.2 (MANE Select); coding-DNA position 2688, C replaced by A.
Protein change: p.Asp896Glu; replaces aspartic acid 896 with glutamic acid.
Molecular consequence: missense variant.
Genome position (GRCh38, 1-based): chr19:40,614,322, C>A. VCF-style: chr19-40614322-C-A. GRCh37 (hg19) VCF-style: chr19-41120228-C-A.
Other names: c.2889C>A, p.Asp963Glu (NM_001042544.1); c.2778C>A, p.Asp926Glu (NM_003573.2); short protein forms D896E, D926E, D963E.
Identifiers: ClinVar variation 1197498 (VCV001197498.6), dbSNP rs370260014, ClinGen allele CA9448777.